The following is an entry in ClinVar:

NM_004698.4(PRPF3):c.1894C>G (p.Leu632Val)

Gene: PRPF3 (pre-mRNA processing factor 3; plus strand). Cytogenetic location: 1q21.2.
Variant type: single nucleotide variant.
Coding change: c.1894C>G on transcript NM_004698.4 (MANE Select); coding-DNA position 1894, C replaced by G.
Protein change: p.Leu632Val; replaces leucine 632 with valine.
Molecular consequence: missense variant. On other transcripts: non-coding transcript variant (4).
Genome position (GRCh38, 1-based): chr1:150,349,207, C>G. VCF-style: chr1-150349207-C-G. GRCh37 (hg19) VCF-style: chr1-150321683-C-G.
Other names: c.1489C>G, p.Leu497Val (NM_001350529.1); short protein forms L497V, L632V.
Identifiers: ClinVar variation 4709855 (VCV004709855.1).

ClinVar aggregate classification (germline): Uncertain significance (1 of 4 stars; one submission).

Submission:

Labcorp Genetics (formerly Invitae), Labcorp
Classification: Uncertain significance. Last evaluated: 2025-10-05. Review status: criteria provided, single submitter. Criteria: Invitae Variant Classification Sherloc (09022015). Collection method: clinical testing. Allele origin: germline.
Comment: This sequence change replaces leucine, which is neutral and non-polar, with valine, which is neutral and non-polar, at codon 632 of the PRPF3 protein (p.Leu632Val). This variant is not present in population databases (gnomAD no frequency). This variant has not been reported in the literature in individuals affected with PRPF3-related conditions. Invitae Evidence Modeling of protein sequence and biophysical properties (such as structural, functional, and spatial information, amino acid conservation, physicochemical variation, residue mobility, and thermodynamic stability) has been performed for this missense variant. However, the output from this modeling did not meet the statistical confidence thresholds required to predict the impact of this variant on PRPF3 protein function. In summary, the available evidence is currently insufficient to determine the role of this variant in disease. Therefore, it has been classified as a Variant of Uncertain Significance.